The following is an entry in ClinVar:

ClinVar aggregate classification (germline): Uncertain significance (1 of 4 stars; one submission).

Conditions:
Deficiency of alpha-mannosidase (MANSA). Also called: LYSOSOMAL ALPHA-D-MANNOSIDASE DEFICIENCY; Mannosidosis, alpha-, types I and II; Alpha-Mannosidosis. Identifiers: Orphanet 61, MedGen C0024748, MONDO:0009561, OMIM 248500.

Allele frequency attached by ClinVar (database versions not stated): ExAC 0.00001; gnomAD exomes 0.00001; gnomAD 0.00008 and 0.00009; TOPMed 0.00009; 1000 Genomes Project 30x 0.00016; 1000 Genomes Project 0.00020.
gnomAD v4.1: 22 of 1,613,538 alleles (0.0014%); highest among the groups gnomAD compares: African/African-American, 0.015%; no homozygotes.

Submission:

Labcorp Genetics (formerly Invitae), Labcorp
Classification: Uncertain significance for Deficiency of alpha-mannosidase. Last evaluated: 2022-02-03. Review status: criteria provided, single submitter. Criteria: Invitae Variant Classification Sherloc (09022015). Collection method: clinical testing. Allele origin: germline.
Comment: This sequence change replaces asparagine, which is neutral and polar, with serine, which is neutral and polar, at codon 541 of the MAN2B1 protein (p.Asn541Ser). This variant is present in population databases (rs564296108, gnomAD 0.01%). This variant has not been reported in the literature in individuals affected with MAN2B1-related conditions. Algorithms developed to predict the effect of missense changes on protein structure and function output the following: SIFT: "Tolerated"; PolyPhen-2: "Benign"; Align-GVGD: "Class C0". The serine amino acid residue is found in multiple mammalian species, which suggests that this missense change does not adversely affect protein function. In summary, the available evidence is currently insufficient to determine the role of this variant in disease. Therefore, it has been classified as a Variant of Uncertain Significance.

NM_000528.4(MAN2B1):c.1622A>G (p.Asn541Ser)

Gene: MAN2B1 (mannosidase alpha class 2B member 1; minus strand). Cytogenetic location: 19p13.13.
Variant type: single nucleotide variant.
Coding change: c.1622A>G on transcript NM_000528.4 (MANE Select); coding-DNA position 1622, A replaced by G.
Protein change: p.Asn541Ser; replaces asparagine 541 with serine.
Molecular consequence: missense variant.
Genome position (GRCh38, 1-based): chr19:12,656,593, T>C on the plus strand (A>G on the coding strand, the complement: MAN2B1 is on the minus strand). VCF-style: chr19-12656593-T-C. GRCh37 (hg19) VCF-style: chr19-12767407-T-C.
Other names: c.1619A>G, p.Asn540Ser (NM_001173498.2); short protein forms N540S, N541S.
Identifiers: ClinVar variation 1363930 (VCV001363930.3), dbSNP rs564296108, ClinGen allele CA9226382.